The following is an entry in ClinVar:

NM_000208.4(INSR):c.2112T>A (p.Asp704Glu)

Gene: INSR (insulin receptor; minus strand). Cytogenetic location: 19p13.2.
Variant type: single nucleotide variant.
Coding change: c.2112T>A on transcript NM_000208.4 (MANE Select); coding-DNA position 2112, T replaced by A.
Protein change: p.Asp704Glu; replaces aspartic acid 704 with glutamic acid.
Molecular consequence: missense variant.
Genome position (GRCh38, 1-based): chr19:7,152,845, A>T on the plus strand (T>A on the coding strand, the complement: INSR is on the minus strand). VCF-style: chr19-7152845-A-T. GRCh37 (hg19) VCF-style: chr19-7152856-A-T.
Other names: c.2112T>A, p.Asp704Glu (NM_001079817.3); c.2112T>A (NM_000208.3); short protein forms D704E.
Identifiers: ClinVar variation 4940236 (VCV004940236.2).

ClinVar aggregate classification (germline): Conflicting classifications of pathogenicity. Review status: criteria provided, conflicting classifications (1 of 4 stars). 2 submissions from 2 submitters: Uncertain significance (1); Likely benign (1). Last evaluated 2025-01-03.

Conditions:
INSR-related disorder.

gnomAD v4.1: 9 of 1,613,382 alleles (0.00056%); highest among the groups gnomAD compares: South Asian, 0.0011%; no homozygotes.

Submissions (2):

PreventionGenetics, part of Exact Sciences
Classification: Uncertain significance for INSR-related condition. Last evaluated: 2025-01-03. Review status: criteria provided, single submitter. Criteria: ACMG Guidelines, 2015. Collection method: clinical testing. Allele origin: germline.
Comment: The INSR c.2112T>A variant is predicted to result in the amino acid substitution p.Asp704Glu. To our knowledge, this variant has not been reported in the literature. This variant is reported in 0.0033% of alleles in individuals of South Asian descent in gnomAD. At this time, the clinical significance of this variant is uncertain due to the absence of conclusive functional and genetic evidence.

Blueprint Genetics
Classification: Likely benign. Last evaluated: 2023-10-03. Review status: criteria provided, single submitter. Criteria: ACMG Guidelines, 2015. Collection method: clinical testing. Allele origin: germline.